The following is an entry in ClinVar:

ClinVar aggregate classification (germline): Uncertain significance (1 of 4 stars; one submission).

Conditions:
RASopathy. Also called: rasopathies; Noonan spectrum disorder. Identifiers: Orphanet 536391, MedGen C5555857, MONDO:0021060.

Submission:

Labcorp Genetics (formerly Invitae), Labcorp
Classification: Uncertain significance for RASopathy. Last evaluated: 2025-04-24. Review status: criteria provided, single submitter. Criteria: Invitae Variant Classification Sherloc (09022015). Collection method: clinical testing. Allele origin: germline.
Comment: This sequence change affects codon 157 of the CBL mRNA. It is a 'silent' change, meaning that it does not change the encoded amino acid sequence of the CBL protein. This variant is not present in population databases (gnomAD no frequency). This variant has not been reported in the literature in individuals affected with CBL-related conditions. Algorithms developed to predict the effect of sequence changes on RNA splicing suggest that this variant may disrupt the consensus splice site. In summary, the available evidence is currently insufficient to determine the role of this variant in disease. Therefore, it has been classified as a Variant of Uncertain Significance.

NM_005188.4(CBL):c.471C>T (p.Ile157=)

Gene: CBL (Cbl proto-oncogene; plus strand). Cytogenetic location: 11q23.3.
Variant type: single nucleotide variant.
Coding change: c.471C>T on transcript NM_005188.4 (MANE Select); coding-DNA position 471, C replaced by T.
Protein change: p.Ile157=; no amino-acid change (isoleucine 157 retained).
Molecular consequence: synonymous variant.
Genome position (GRCh38, 1-based): chr11:119,271,762, C>T. VCF-style: chr11-119271762-C-T. GRCh37 (hg19) VCF-style: chr11-119142472-C-T.
Identifiers: ClinVar variation 4718309 (VCV004718309.1).